The following is an entry in ClinVar:

ClinVar aggregate classification (germline): Pathogenic (1 of 4 stars; one submission).

Conditions:
Citrullinemia. Identifiers: Orphanet 187, MedGen C0175683, MONDO:0015991.

Submission:

Labcorp Genetics (formerly Invitae), Labcorp
Classification: Pathogenic for Citrullinemia. Last evaluated: 2023-09-30. Review status: criteria provided, single submitter. Criteria: Invitae Variant Classification Sherloc (09022015). Collection method: clinical testing. Allele origin: germline.
Comment: For these reasons, this variant has been classified as Pathogenic. This variant has not been reported in the literature in individuals affected with ASS1-related conditions. This variant is not present in population databases (gnomAD no frequency). This sequence change creates a premature translational stop signal (p.Gln201*) in the ASS1 gene. It is expected to result in an absent or disrupted protein product. Loss-of-function variants in ASS1 are known to be pathogenic (PMID: 18473344, 19006241).

Literature cited by the submitters: PubMed 18473344; PubMed 19006241.

NM_054012.4(ASS1):c.601C>T (p.Gln201Ter)

Gene: ASS1 (argininosuccinate synthase 1; plus strand). Cytogenetic location: 9q34.11.
Variant type: single nucleotide variant.
Coding change: c.601C>T on transcript NM_054012.4 (MANE Select); coding-DNA position 601, C replaced by T.
Protein change: p.Gln201Ter; replaces glutamine 201 with a stop codon.
Molecular consequence: nonsense.
Genome position (GRCh38, 1-based): chr9:130,476,874, C>T. VCF-style: chr9-130476874-C-T. GRCh37 (hg19) VCF-style: chr9-133352261-C-T.
Other names: c.601C>T, p.Gln201Ter (NM_000050.4); short protein forms Q201*.
Identifiers: ClinVar variation 2764597 (VCV002764597.3), dbSNP rs563922134, ClinGen allele CA375228256.